The following is an entry in ClinVar:

ClinVar aggregate classification (germline): Uncertain significance (1 of 4 stars; one submission).

Conditions:
Brody myopathy. Also called: BRODY DISEASE. Identifiers: Orphanet 53347, MedGen C1832918, MONDO:0010977, OMIM 601003.

Allele frequency attached by ClinVar (database versions not stated): gnomAD exomes below 0.00001; TOPMed below 0.00001; ExAC 0.00001.
gnomAD v4.1: 1 of 1,613,688 alleles (0.000062%); highest among the groups gnomAD compares: Admixed American, 0.0017%; no homozygotes.

Submission:

Labcorp Genetics (formerly Invitae), Labcorp
Classification: Uncertain significance for Brody myopathy. Last evaluated: 2022-08-07. Review status: criteria provided, single submitter. Criteria: Invitae Variant Classification Sherloc (09022015). Collection method: clinical testing. Allele origin: germline.
Comment: In summary, the available evidence is currently insufficient to determine the role of this variant in disease. Therefore, it has been classified as a Variant of Uncertain Significance. Algorithms developed to predict the effect of missense changes on protein structure and function are either unavailable or do not agree on the potential impact of this missense change (SIFT: "Deleterious"; PolyPhen-2: "Probably Damaging"; Align-GVGD: "Class C0"). This variant has not been reported in the literature in individuals affected with ATP2A1-related conditions. This variant is present in population databases (rs759275894, gnomAD 0.003%). This sequence change replaces cysteine, which is neutral and slightly polar, with tyrosine, which is neutral and polar, at codon 876 of the ATP2A1 protein (p.Cys876Tyr).

NM_004320.6(ATP2A1):c.2627G>A (p.Cys876Tyr)

Gene: ATP2A1 (ATPase sarcoplasmic/endoplasmic reticulum Ca2+ transporting 1; plus strand). Cytogenetic location: 16p11.2.
Variant type: single nucleotide variant.
Coding change: c.2627G>A on transcript NM_004320.6 (MANE Select); coding-DNA position 2627, G replaced by A.
Protein change: p.Cys876Tyr; replaces cysteine 876 with tyrosine.
Molecular consequence: missense variant.
Genome position (GRCh38, 1-based): chr16:28,902,794, G>A. VCF-style: chr16-28902794-G-A. GRCh37 (hg19) VCF-style: chr16-28914115-G-A.
Other names: c.2252G>A, p.Cys751Tyr (NM_001286075.2); c.2627G>A, p.Cys876Tyr (NM_173201.5); short protein forms C751Y, C876Y.
Identifiers: ClinVar variation 1715482 (VCV001715482.6), dbSNP rs759275894, ClinGen allele CA7987338.